The following is an entry in ClinVar:

ClinVar aggregate classification (germline): Uncertain significance (1 of 4 stars; one submission).

Allele frequency attached by ClinVar (database versions not stated): gnomAD 0.00001; gnomAD exomes 0.00001; ExAC 0.00005; 1000 Genomes Project 30x 0.00016; 1000 Genomes Project 0.00020.
gnomAD v4.1: 19 of 1,612,728 alleles (0.0012%); highest among the groups gnomAD compares: South Asian, 0.021%; no homozygotes.

Submission:

GeneDx
Classification: Uncertain significance. Last evaluated: 2022-04-07. Review status: criteria provided, single submitter. Criteria: GeneDx Variant Classification Process June 2021. Collection method: clinical testing. Allele origin: germline. Affected: yes.
Comment: In silico analysis supports that this missense variant has a deleterious effect on protein structure/function; Has not been previously published as pathogenic or benign to our knowledge

NM_020812.4(DOCK6):c.4037G>A (p.Gly1346Glu)

Genes: DOCK6-AS1 (DOCK6 antisense RNA 1; plus strand), DOCK6 (dedicator of cytokinesis 6; minus strand). Cytogenetic location: 19p13.2.
Variant type: single nucleotide variant.
Coding change: c.4037G>A on transcript NM_020812.4 (MANE Select); coding-DNA position 4037, G replaced by A.
Protein change: p.Gly1346Glu; replaces glycine 1346 with glutamic acid.
Molecular consequence: missense variant.
Genome position (GRCh38, 1-based): chr19:11,215,456, C>T on the plus strand (G>A on the coding strand, the complement: DOCK6 is on the minus strand). VCF-style: chr19-11215456-C-T. GRCh37 (hg19) VCF-style: chr19-11326132-C-T.
Other names: c.4142G>A, p.Gly1381Glu (NM_001367830.1); short protein forms G1346E, G1381E.
Identifiers: ClinVar variation 1712664 (VCV001712664.2), dbSNP rs527494587, ClinGen allele CA9207017.